The following is an entry in ClinVar:

ClinVar aggregate classification (germline): Pathogenic (1 of 4 stars; one submission).

Conditions:
Developmental and epileptic encephalopathy, 60. Also called: EPILEPTIC ENCEPHALOPATHY, EARLY INFANTILE, 60. Identifiers: MedGen C4693663, MONDO:0033369, OMIM 617929.

Submission:

Institute of Human Genetics, University of Leipzig Medical Center
Classification: Pathogenic for Developmental and epileptic encephalopathy, 60. Last evaluated: 2023-03-30. Review status: criteria provided, single submitter. Criteria: ACMG Guidelines, 2015. Collection method: clinical testing. Allele origin: unknown. Affected: yes.
Comment: This variant was identified as homozygous._x000D_ Criteria applied: PVS1, PM2_SUP, PM3_SUP

NM_006586.5(CNPY3):c.548del (p.Asn183fs)

Genes: CNPY3 (canopy FGF signaling regulator 3; plus strand), CNPY3-GNMT (CNPY3-GNMT readthrough; plus strand). Cytogenetic location: 6p21.1.
Variant type: Deletion.
Coding change: c.548del on transcript NM_006586.5 (MANE Select); coding-DNA position 548, one base deleted (A; older notation c.548delA).
Protein change: p.Asn183fs; shifts the reading frame from asparagine 183.
Molecular consequence: frameshift variant. On other transcripts: non-coding transcript variant (4), intron variant (3).
Genome position (GRCh38, 1-based): chr6:42,938,142, A deleted; the last of 2 consecutive A bases (chr6:42,938,141-42,938,142); deleting either gives the same sequence. VCF-style (leftmost placement, unchanged base first): chr6-42938140-GA-G. GRCh37 (hg19) VCF-style: chr6-42905878-GA-G.
Other names: c.647del, p.Asn216fs (NM_001318842.1); c.281del, p.Asn94fs (NM_001318845.1); c.8+8421del (NM_001318856.2); c.151+8421del (NM_001318857.2, NM_001318858.2); short protein forms N183fs, N216fs, N94fs.
Identifiers: ClinVar variation 2502353 (VCV002502353.1), dbSNP rs2481078839, ClinGen allele CA2580614879.